The following is an entry in ClinVar:

NM_014516.4(CNOT3):c.*5G>A

Genes: CNOT3 (CCR4-NOT transcription complex subunit 3; plus strand), LENG1 (leukocyte receptor cluster member 1; minus strand). Cytogenetic location: 19q13.42.
Variant type: single nucleotide variant.
Coding change: c.*5G>A on transcript NM_014516.4 (MANE Select); 5 bases downstream of the stop codon, G replaced by A.
Molecular consequence: 3 prime UTR variant.
Genome position (GRCh38, 1-based): chr19:54,155,412, G>A. VCF-style: chr19-54155412-G-A. GRCh37 (hg19) VCF-style: chr19-54659150-G-A.
Other names: c.*309C>T (NM_024316.3).
Identifiers: ClinVar variation 3056712 (VCV003056712.2), dbSNP rs201836403, ClinGen allele CA407772725.
Genomic context (GRCh38, chr19:54,155,412, plus strand): 5'-AGAAGGAAGGCTTCACCTTTGAGTACCGCTACCTGGAGGACCGGGACCTCCAGTGACACC[G>A]GCCCCTCCCTCTACCCACCCCCTTCCCCCGCATGCTGATCCCCCTGCCCAGGTGAGGGCC-3'

ClinVar aggregate classification (germline): Likely benign (0 of 4 stars; one submission).

Conditions:
CNOT3-related disorder. Also called: CNOT3-related condition.

Allele frequency attached by ClinVar (database versions not stated): 1000 Genomes Project 30x 0.00016; 1000 Genomes Project 0.00020; TOPMed 0.00099; ESP Exome Variant Server 0.00108.
gnomAD v4.1: 243 of 1,578,442 alleles (0.015%); highest among the groups gnomAD compares: African/African-American, 0.26%; no homozygotes.

Submission:

PreventionGenetics, part of Exact Sciences
Classification: Likely benign for CNOT3-related condition. Last evaluated: 2019-04-11. Review status: no assertion criteria provided. Collection method: clinical testing. Allele origin: germline.
Comment: This variant is classified as likely benign based on ACMG/AMP sequence variant interpretation guidelines (Richards et al. 2015 PMID: 25741868, with internal and published modifications).